The following is an entry in ClinVar:

NM_006662.3(SRCAP):c.242A>G (p.Asp81Gly)

Gene: SRCAP (Snf2 related CREBBP activator protein; plus strand). Cytogenetic location: 16p11.2.
Variant type: single nucleotide variant.
Coding change: c.242A>G on transcript NM_006662.3 (MANE Select); coding-DNA position 242, A replaced by G.
Protein change: p.Asp81Gly; replaces aspartic acid 81 with glycine.
Molecular consequence: missense variant.
Genome position (GRCh38, 1-based): chr16:30,704,251, A>G. VCF-style: chr16-30704251-A-G. GRCh37 (hg19) VCF-style: chr16-30715572-A-G.
Other names: short protein forms D81G.
Identifiers: ClinVar variation 3376060 (VCV003376060.2).
Genomic context (GRCh38, chr16:30,704,251, plus strand): 5'-CAGGCCCCCCAGATGGTGCCACAGTGCCCCTGGAGGGGTTCAGCTTATCCCAGGCTGCTG[A>G]CCTGGCTAACAAGGGCCCGAAGTGGGAGAAGAGCCATGCCGAAATTGCAGAACAGGCCAA-3'
Protein context (NP_006653.2, residues 71-91): LEGFSLSQAA[Asp81Gly]LANKGPKWEK

ClinVar aggregate classification (germline): Uncertain significance. Review status: criteria provided, multiple submitters, no conflicts (2 of 4 stars). 2 submissions from 2 submitters: Uncertain significance (2). Last evaluated 2024-05-12.

Conditions:
Floating-Harbor syndrome (FLHS). Also called: SRCAP-Related Floating-Harbor Syndrome; Short stature with delayed bone age, expressive language delay, a triangular face with a prominent nose and deep-set eyes; Pelletier-Leisti syndrome. Identifiers: Orphanet 2044, MedGen C0729582, MONDO:0007621, OMIM 136140.
Developmental delay, hypotonia, musculoskeletal defects, and behavioral abnormalities. Identifiers: MedGen C5562012, MONDO:0859202, OMIM 619595.

Submissions (2):

Fulgent Genetics
Classification: Uncertain significance for Floating-Harbor syndrome; Developmental delay, hypotonia, musculoskeletal defects, and behavioral abnormalities. Last evaluated: 2024-05-12. Review status: criteria provided, single submitter. Criteria: ACMG Guidelines, 2015. Collection method: clinical testing. Allele origin: germline.

GeneDx
Classification: Uncertain significance. Last evaluated: 2024-05-07. Review status: criteria provided, single submitter. Criteria: GeneDx Variant Classification Process June 2021. Collection method: clinical testing. Allele origin: germline. Affected: yes.
Comment: Not observed at significant frequency in large population cohorts (gnomAD); In silico analysis supports that this missense variant has a deleterious effect on protein structure/function; Has not been previously published as pathogenic or benign to our knowledge